The following is an entry in ClinVar:

NM_001204.7(BMPR2):c.3076A>G (p.Thr1026Ala)

Gene: BMPR2 (bone morphogenetic protein receptor type 2; plus strand). Cytogenetic location: 2q33.2.
Variant type: single nucleotide variant.
Coding change: c.3076A>G on transcript NM_001204.7 (MANE Select); coding-DNA position 3076, A replaced by G.
Protein change: p.Thr1026Ala; replaces threonine 1026 with alanine.
Molecular consequence: missense variant.
Genome position (GRCh38, 1-based): chr2:202,559,905, A>G. VCF-style: chr2-202559905-A-G. GRCh37 (hg19) VCF-style: chr2-203424628-A-G.
Other names: short protein forms T1026A.
Identifiers: ClinVar variation 2723610 (VCV002723610.4), dbSNP rs374025483, ClinGen allele CA64047704.
Genomic context (GRCh38, chr2:202,559,905, plus strand): 5'-AACAGGGCAGTTCATTCCAAATCCAGCACTGCTGTTTACCTTGCAGAAGGAGGCACTGCT[A>G]CAACCATGGTGTCTAAAGATATAGGAATGAACTGTCTGTGAAATGTTTTCAAGCCTATGG-3'
Protein context (NP_001195.2, residues 1016-1036): AVYLAEGGTA[Thr1026Ala]TMVSKDIGMN

ClinVar aggregate classification (germline): Conflicting classifications of pathogenicity. Review status: criteria provided, conflicting classifications (1 of 4 stars). 2 submissions from 2 submitters: Uncertain significance (1); Likely benign (1). Last evaluated 2024-12-30.

Conditions:
Primary pulmonary hypertension. Also called: Idiopathic pulmonary hypertension. Identifiers: MedGen C0152171.
Inborn genetic diseases. Identifiers: MedGen C0950123, MeSH D030342.

Allele frequency attached by ClinVar (database versions not stated): gnomAD exomes 0.00001; ESP Exome Variant Server 0.00008.
gnomAD v4.1: 18 of 1,614,194 alleles (0.0011%); highest among the groups gnomAD compares: Non-Finnish European, 0.0015%; no homozygotes.

Submissions (2):

Ambry Genetics
Classification: Uncertain significance for Inborn genetic diseases. Last evaluated: 2024-12-30. Review status: criteria provided, single submitter. Criteria: Ambry Variant Classification Scheme 2023. Collection method: clinical testing. Allele origin: germline.
Comment: The p.T1026A variant (also known as c.3076A>G), located in coding exon 13 of the BMPR2 gene, results from an A to G substitution at nucleotide position 3076. The threonine at codon 1026 is replaced by alanine, an amino acid with similar properties. This amino acid position is conserved. In addition, the in silico prediction for this alteration is inconclusive. Based on the available evidence, the clinical significance of this variant remains unclear.

Labcorp Genetics (formerly Invitae), Labcorp
Classification: Likely benign for Primary pulmonary hypertension. Last evaluated: 2023-11-05. Review status: criteria provided, single submitter. Criteria: Invitae Variant Classification Sherloc (09022015). Collection method: clinical testing. Allele origin: germline.